The following is an entry in ClinVar:

ClinVar aggregate classification (germline): Benign/Likely benign. Review status: criteria provided, multiple submitters, no conflicts (2 of 4 stars). 3 submissions from 3 submitters: Benign (2); Likely benign (1). Last evaluated 2024-11-18.

Conditions:
Dextro-looped transposition of the great arteries. Also called: Dextrotransposition of the great arteries. Identifiers: Orphanet 860, MedGen C3531771, MONDO:0019443, OMIM 608808, HP:0031348.

Allele frequency attached by ClinVar (database versions not stated): gnomAD below 0.00001 and 0.00012; TOPMed 0.00003; gnomAD exomes 0.00023 and 0.00045; 1000 Genomes Project 0.00040; ExAC 0.00049; 1000 Genomes Project 30x 0.00078.

Submissions (3):

Labcorp Genetics (formerly Invitae), Labcorp
Classification: Likely benign for Dextro-looped transposition of the great arteries. Last evaluated: 2024-11-18. Review status: criteria provided, single submitter. Criteria: Invitae Variant Classification Sherloc (09022015). Collection method: clinical testing. Allele origin: germline.

CeGaT Center for Human Genetics Tuebingen
Classification: Benign. Last evaluated: 2022-10-01. Review status: criteria provided, single submitter. Criteria: CeGaT Center For Human Genetics Tuebingen Variant Classification Criteria Version 2. Collection method: clinical testing. Allele origin: germline. Affected: yes. Observed: 1 variant allele.
Comment: MED13L: BS1, BS2

GeneDx
Classification: Benign. Last evaluated: 2020-11-04. Review status: criteria provided, single submitter. Criteria: GeneDx Variant Classification Process June 2021. Collection method: clinical testing. Allele origin: germline. Affected: yes.

NM_015335.5(MED13L):c.5802G>A (p.Met1934Ile)

Gene: MED13L (mediator complex subunit 13L; minus strand). Cytogenetic location: 12q24.21.
Variant type: single nucleotide variant.
Coding change: c.5802G>A on transcript NM_015335.5 (MANE Select); coding-DNA position 5802, G replaced by A.
Protein change: p.Met1934Ile; replaces methionine 1934 with isoleucine.
Molecular consequence: missense variant.
Genome position (GRCh38, 1-based): chr12:115,972,166, C>T on the plus strand (G>A on the coding strand, the complement: MED13L is on the minus strand). VCF-style: chr12-115972166-C-T. GRCh37 (hg19) VCF-style: chr12-116409971-C-T.
Other names: short protein forms M1934I.
Identifiers: ClinVar variation 772605 (VCV000772605.38), dbSNP rs554093251, ClinGen allele CA6810506.
Genomic context (GRCh38, chr12:115,972,166, plus strand): 5'-CTCCATGGCAACCAGGCAGGCACTAAGGATAGAAGGAGAGTCTGCGGCAGAGATTCCACA[C>T]ATCCGGCACACATCCTTGAGCTTTTTGCTGATTGTCTGTAGTGAACATTCTCCAAGGAGG-3'
Protein context (NP_056150.1, residues 1924-1944): ISKKLKDVCR[Met1934Ile]CGISAADSPS